The following is an entry in ClinVar:

ClinVar aggregate classification (germline): Benign/Likely benign. Review status: criteria provided, multiple submitters, no conflicts (2 of 4 stars). 2 submissions from 2 submitters: Benign (1); Likely benign (1). Last evaluated 2026-07-01.

Allele frequency attached by ClinVar (database versions not stated): gnomAD 0.00003; gnomAD exomes 0.00004 and 0.00022; TOPMed 0.00011; ExAC 0.00019.
gnomAD v4.1: 43 of 1,207,763 alleles (0.0036%); highest among the groups gnomAD compares: Admixed American, 0.094%; no homozygotes.

Submissions (2):

CeGaT Center for Human Genetics Tuebingen
Classification: Likely benign. Last evaluated: 2026-07-01. Review status: criteria provided, single submitter. Criteria: CeGaT Center For Human Genetics Tuebingen Variant Classification Criteria Version 2. Collection method: clinical testing. Allele origin: germline. Affected: yes. Observed: 1 variant allele.
Comment: FRMPD4: BP4, BP7, BS2

Labcorp Genetics (formerly Invitae), Labcorp
Classification: Benign. Last evaluated: 2018-05-10. Review status: criteria provided, single submitter. Criteria: Invitae Variant Classification Sherloc (09022015). Collection method: clinical testing. Allele origin: germline.

NM_001368397.1(FRMPD4):c.3907C>T (p.Leu1303=)

Gene: FRMPD4 (FERM and PDZ domain containing 4; plus strand). Cytogenetic location: Xp22.2.
Variant type: single nucleotide variant.
Coding change: c.3907C>T on transcript NM_001368397.1 (MANE Select); coding-DNA position 3907, C replaced by T.
Protein change: p.Leu1303=; no amino-acid change (leucine 1303 retained).
Molecular consequence: synonymous variant.
Genome position (GRCh38, 1-based): chrX:12,718,733, C>T. VCF-style: chrX-12718733-C-T. GRCh37 (hg19) VCF-style: chrX-12736852-C-T.
Other names: c.4018C>T, p.Leu1340= (NM_001368395.3, NM_001368398.3); c.3913C>T, p.Leu1305= (NM_001368396.3); c.3898C>T, p.Leu1300= (NM_001368399.3); c.3787C>T, p.Leu1263= (NM_001368400.3); c.3883C>T, p.Leu1295= (NM_001368401.1, NM_001368402.3); c.3907C>T, p.Leu1303= (NM_014728.3).
Identifiers: ClinVar variation 739109 (VCV000739109.4), dbSNP rs772799158, ClinGen allele CA10349677.
Genomic context (GRCh38, chrX:12,718,733, plus strand): 5'-GAAGGGATGTGTCCACGGATGACAGTGCCTGCTCTGCACACAGCCATTAACACCGAACCC[C>T]TGTTTGGCACATTGAGAGATGGATGCCATCGGCTCCCCAAGATTAAGGAAACCACAGGTA-3'
Protein context (NP_001355326.1, residues 1293-1313): ALHTAINTEP[Leu1303=]FGTLRDGCHR